The following is an entry in ClinVar:

NM_003705.5(SLC25A12):c.1045C>G (p.Leu349Val)

Gene: SLC25A12 (solute carrier family 25 member 12; minus strand). Cytogenetic location: 2q31.1.
Variant type: single nucleotide variant.
Coding change: c.1045C>G on transcript NM_003705.5 (MANE Select); coding-DNA position 1045, C replaced by G.
Protein change: p.Leu349Val; replaces leucine 349 with valine.
Molecular consequence: missense variant. On other transcripts: non-coding transcript variant (1).
Genome position (GRCh38, 1-based): chr2:171,813,465, G>C on the plus strand (C>G on the coding strand, the complement: SLC25A12 is on the minus strand). VCF-style: chr2-171813465-G-C. GRCh37 (hg19) VCF-style: chr2-172669975-G-C.
Other names: short protein forms L349V.
Identifiers: ClinVar variation 1926687 (VCV001926687.5), dbSNP rs769294226, ClinGen allele CA1966220.

ClinVar aggregate classification (germline): Uncertain significance (1 of 4 stars; one submission).

Allele frequency attached by ClinVar (database versions not stated): gnomAD exomes 0.00001; ExAC 0.00002; gnomAD 0.00001.
gnomAD v4.1: 4 of 1,613,878 alleles (0.00025%); no homozygotes.

Submission:

Labcorp Genetics (formerly Invitae), Labcorp
Classification: Uncertain significance. Last evaluated: 2022-07-19. Review status: criteria provided, single submitter. Criteria: Invitae Variant Classification Sherloc (09022015). Collection method: clinical testing. Allele origin: germline.
Comment: In summary, the available evidence is currently insufficient to determine the role of this variant in disease. Therefore, it has been classified as a Variant of Uncertain Significance. Algorithms developed to predict the effect of missense changes on protein structure and function are either unavailable or do not agree on the potential impact of this missense change (SIFT: "Deleterious"; PolyPhen-2: "Possibly Damaging"; Align-GVGD: "Class C0"). This variant has not been reported in the literature in individuals affected with SLC25A12-related conditions. This variant is present in population databases (rs769294226, gnomAD 0.009%). This sequence change replaces leucine, which is neutral and non-polar, with valine, which is neutral and non-polar, at codon 349 of the SLC25A12 protein (p.Leu349Val).